The following is an entry in ClinVar:

ClinVar aggregate classification (germline): Uncertain significance (1 of 4 stars; one submission).

Conditions:
Wilms tumor 1 (WT1). Also called: Wilms tumor, somatic. Identifiers: Orphanet 654, MedGen CN033288, MONDO:0008679, OMIM 194070.

Submission:

Labcorp Genetics (formerly Invitae), Labcorp
Classification: Uncertain significance for Wilms tumor 1. Last evaluated: 2018-08-27. Review status: criteria provided, single submitter. Criteria: Invitae Variant Classification Sherloc (09022015). Collection method: clinical testing. Allele origin: germline.
Comment: This variant results in a copy number gain of the genomic region encompassing exons 1-2 of the GPC3 gene. The 5' end of this event is unknown as it extends beyond the assayed region for this gene and therefore may encompass additional genes. The 3' boundary is likely confined to intron 2 of the GPC3 gene. As the precise location of this event is unknown, it may be in tandem or it may be located elsewhere in the genome. Similar or smaller duplications in the same region have been observed in individuals with Simpson-Golabi-Behmel SyndromeÂ¬â€ (PMID: 24169032, 24214682). In summary, the available evidence is currently insufficient to determine the role of this variant in disease. Therefore, it has been classified as a Variant of Uncertain Significance.

Literature cited by the submitters: PubMed 24169032; PubMed 24214682.

NC_000023.10:g.(?_133087067)_(133119486_?)dup

Gene: GPC3 (glypican 3; minus strand). Cytogenetic location: Xq26.2.
Variant type: Duplication.
Identifiers: ClinVar variation 642639 (VCV000642639.1).